The following is an entry in ClinVar:

ClinVar aggregate classification (germline): Uncertain significance (1 of 4 stars; one submission).

Allele frequency attached by ClinVar (database versions not stated): gnomAD 0.00001; ExAC 0.00002; 1000 Genomes Project 30x 0.00031; 1000 Genomes Project 0.00040.
gnomAD v4.1: 2 of 1,614,110 alleles (0.00012%); highest among the groups gnomAD compares: Admixed American, 0.0033%; no homozygotes.

Submission:

Labcorp Genetics (formerly Invitae), Labcorp
Classification: Uncertain significance. Last evaluated: 2024-06-29. Review status: criteria provided, single submitter. Criteria: Invitae Variant Classification Sherloc (09022015). Collection method: clinical testing. Allele origin: germline.
Comment: This sequence change replaces threonine, which is neutral and polar, with proline, which is neutral and non-polar, at codon 323 of the DEAF1 protein (p.Thr323Pro). This variant is present in population databases (rs539882835, gnomAD 0.006%). This variant has not been reported in the literature in individuals affected with DEAF1-related conditions. ClinVar contains an entry for this variant (Variation ID: 2010812). Advanced modeling of protein sequence and biophysical properties (such as structural, functional, and spatial information, amino acid conservation, physicochemical variation, residue mobility, and thermodynamic stability) performed at Invitae indicates that this missense variant is expected to disrupt DEAF1 protein function with a positive predictive value of 95%. In summary, the available evidence is currently insufficient to determine the role of this variant in disease. Therefore, it has been classified as a Variant of Uncertain Significance.

NM_021008.4(DEAF1):c.967A>C (p.Thr323Pro)

Gene: DEAF1 (DEAF1 transcription factor; minus strand). Cytogenetic location: 11p15.5.
Variant type: single nucleotide variant.
Coding change: c.967A>C on transcript NM_021008.4 (MANE Select); coding-DNA position 967, A replaced by C.
Protein change: p.Thr323Pro; replaces threonine 323 with proline.
Molecular consequence: missense variant. On other transcripts: intron variant (1).
Genome position (GRCh38, 1-based): chr11:680,993, T>G on the plus strand (A>C on the coding strand, the complement: DEAF1 is on the minus strand). VCF-style: chr11-680993-T-G. GRCh37 (hg19) VCF-style: chr11-680993-T-G.
Other names: c.241A>C, p.Thr81Pro (NM_001440887.1, NM_001367390.1, NM_001440885.1 and 1 more transcripts); c.731-1177A>C (NM_001293634.2); c.967A>C, p.Thr323Pro (NM_001440883.1, NM_001440884.1); short protein forms T323P, T81P.
Identifiers: ClinVar variation 2010812 (VCV002010812.4), dbSNP rs539882835, ClinGen allele CA5786384.